The following is an entry in ClinVar:

ClinVar aggregate classification (germline): Likely pathogenic (1 of 4 stars; one submission).

Conditions:
Hereditary spastic paraplegia 31. Also called: SPASTIC PARAPLEGIA 31, AUTOSOMAL DOMINANT. Identifiers: Orphanet 101011, MedGen C1853247, MONDO:0012453, OMIM 610250.

Submission:

Labcorp Genetics (formerly Invitae), Labcorp
Classification: Likely pathogenic for Hereditary spastic paraplegia 31. Last evaluated: 2022-03-04. Review status: criteria provided, single submitter. Criteria: Invitae Variant Classification Sherloc (09022015). Collection method: clinical testing. Allele origin: germline.
Comment: In summary, the currently available evidence indicates that the variant is pathogenic, but additional data are needed to prove that conclusively. Therefore, this variant has been classified as Likely Pathogenic. Algorithms developed to predict the effect of sequence changes on RNA splicing suggest that this variant may disrupt the consensus splice site. This variant has not been reported in the literature in individuals affected with REEP1-related conditions. This variant is not present in population databases (gnomAD no frequency). This sequence change affects a donor splice site in intron 1 of the REEP1 gene. It is expected to disrupt RNA splicing. Variants that disrupt the donor or acceptor splice site typically lead to a loss of protein function (PMID: 16199547), and loss-of-function variants in REEP1 are known to be pathogenic (PMID: 18321925, 18644145, 22703882).

Literature cited by the submitters: PubMed 16199547; PubMed 18321925; PubMed 18644145; PubMed 22703882.

NM_001371279.1(REEP1):c.32+2T>C

Gene: REEP1 (receptor accessory protein 1; minus strand). Cytogenetic location: 2p11.2.
Variant type: single nucleotide variant.
Coding change: c.32+2T>C on transcript NM_001371279.1 (MANE Select); the canonical splice donor site of the intron after coding-DNA position 32, T replaced by C.
Molecular consequence: splice donor variant. On other transcripts: intron variant (1).
Genome position (GRCh38, 1-based): chr2:86,337,477, A>G on the plus strand (T>C on the coding strand, the complement: REEP1 is on the minus strand). VCF-style: chr2-86337477-A-G. GRCh37 (hg19) VCF-style: chr2-86564600-A-G.
Other names: c.53+547T>C (NM_001164730.2); c.24+2T>C (NM_001164731.2); c.32+2T>C (NM_001164732.2, NM_001371280.1, NM_022912.3 and 2 more transcripts).
Identifiers: ClinVar variation 2106129 (VCV002106129.4), dbSNP rs2469203256, ClinGen allele CA347725416.
Genomic context (GRCh38, chr2:86,337,477, plus strand): 5'-CAGCCCGGGGCCGGGGGCGGGGAGGGAGGGGACGGAGGGGCGCGGGGGAGAAGGCCACTT[A>G]CACCACCAGCCTGGAGATGATCCATGACACCATGGCGGGCAGGCGGGCGGGCGAGGCCCG-3'